The following is an entry in ClinVar:

NM_000532.5(PCCB):c.637_641del (p.Phe213fs)

Gene: PCCB (propionyl-CoA carboxylase subunit beta; plus strand). Cytogenetic location: 3q22.3.
Variant type: Deletion.
Coding change: c.637_641del on transcript NM_000532.5 (MANE Select); coding-DNA positions 637 to 641, 5 bases deleted (TTCAC; older notation c.637_641delTTCAC).
Protein change: p.Phe213fs; shifts the reading frame from phenylalanine 213.
Molecular consequence: frameshift variant.
Genome position (GRCh38, 1-based): chr3:136,283,930-136,283,934, TTCAC deleted; deleting any 5 consecutive bases within chr3:136,283,928-136,283,934 gives the same sequence; the c. name uses the placement nearest the transcript's 3' end. VCF-style (leftmost placement, unchanged base first): chr3-136283927-GACTTC-G. GRCh37 (hg19) VCF-style: chr3-136002769-GACTTC-G.
Other names: c.697_701del, p.Phe233fs (NM_001178014.2); short protein forms F213fs, F233fs.
Identifiers: ClinVar variation 3647156 (VCV003647156.2).

ClinVar aggregate classification (germline): Pathogenic (1 of 4 stars; one submission).

Conditions:
Propionic acidemia (PROP). Also called: GLYCINEMIA, KETOTIC; HYPERGLYCINEMIA WITH KETOACIDOSIS AND LEUKOPENIA; KETOTIC HYPERGLYCINEMIA. Identifiers: Orphanet 35, MedGen C0268579, MONDO:0011628, OMIM 606054, HP:0003571.

Submission:

Labcorp Genetics (formerly Invitae), Labcorp
Classification: Pathogenic for Propionic acidemia. Last evaluated: 2024-03-21. Review status: criteria provided, single submitter. Criteria: Invitae Variant Classification Sherloc (09022015). Collection method: clinical testing. Allele origin: germline.
Comment: This sequence change creates a premature translational stop signal (p.Phe213Valfs*15) in the PCCB gene. It is expected to result in an absent or disrupted protein product. Loss-of-function variants in PCCB are known to be pathogenic (PMID: 15464417). This variant is not present in population databases (gnomAD no frequency). This variant has not been reported in the literature in individuals affected with PCCB-related conditions. For these reasons, this variant has been classified as Pathogenic.

Literature cited by the submitters: PubMed 15464417.